The following is an entry in ClinVar:

NM_001961.4(EEF2):c.1093C>G (p.Gln365Glu)

Gene: EEF2 (eukaryotic translation elongation factor 2; minus strand). Cytogenetic location: 19p13.3.
Variant type: single nucleotide variant.
Coding change: c.1093C>G on transcript NM_001961.4 (MANE Select); coding-DNA position 1093, C replaced by G.
Protein change: p.Gln365Glu; replaces glutamine 365 with glutamic acid.
Molecular consequence: missense variant.
Genome position (GRCh38, 1-based): chr19:3,980,898, G>C on the plus strand (C>G on the coding strand, the complement: EEF2 is on the minus strand). VCF-style: chr19-3980898-G-C. GRCh37 (hg19) VCF-style: chr19-3980896-G-C.
Other names: c.1093C>G (NM_001961.3); short protein forms Q365E.
Identifiers: ClinVar variation 2703623 (VCV002703623.4), dbSNP rs2512203037, ClinGen allele CA403393419.

ClinVar aggregate classification (germline): Uncertain significance. Review status: criteria provided, multiple submitters, no conflicts (2 of 4 stars). 2 submissions from 2 submitters: Uncertain significance (2). Last evaluated 2025-03-26.

Submissions (2):

GeneDx
Classification: Uncertain significance. Last evaluated: 2025-03-26. Review status: criteria provided, single submitter. Criteria: GeneDx Variant Classification Process June 2021. Collection method: clinical testing. Allele origin: germline. Affected: yes.
Comment: Not observed at significant frequency in large population cohorts (gnomAD); In silico analysis supports that this missense variant has a deleterious effect on protein structure/function; Has not been previously published as pathogenic or benign to our knowledge

Labcorp Genetics (formerly Invitae), Labcorp
Classification: Uncertain significance. Last evaluated: 2023-12-16. Review status: criteria provided, single submitter. Criteria: Invitae Variant Classification Sherloc (09022015). Collection method: clinical testing. Allele origin: germline.
Comment: This sequence change replaces glutamine, which is neutral and polar, with glutamic acid, which is acidic and polar, at codon 365 of the EEF2 protein (p.Gln365Glu). This variant is not present in population databases (gnomAD no frequency). This variant has not been reported in the literature in individuals affected with EEF2-related conditions. Advanced modeling of protein sequence and biophysical properties (such as structural, functional, and spatial information, amino acid conservation, physicochemical variation, residue mobility, and thermodynamic stability) performed at Invitae indicates that this missense variant is expected to disrupt EEF2 protein function with a positive predictive value of 80%. In summary, the available evidence is currently insufficient to determine the role of this variant in disease. Therefore, it has been classified as a Variant of Uncertain Significance.